The following is an entry in ClinVar:

NM_000368.5(TSC1):c.2081del (p.Gln694fs)

Gene: TSC1 (TSC complex subunit 1; minus strand). Cytogenetic location: 9q34.13.
Variant type: Deletion.
Coding change: c.2081del on transcript NM_000368.5 (MANE Select); coding-DNA position 2081, one base deleted (A; older notation c.2081delA).
Protein change: p.Gln694fs; shifts the reading frame from glutamine 694.
Molecular consequence: frameshift variant. On other transcripts: non-coding transcript variant (4).
Genome position (GRCh38, 1-based): chr9:132,903,778, T deleted on the plus strand (A on the coding strand, the reverse complement: TSC1 is on the minus strand). VCF-style (leftmost placement, unchanged base first): chr9-132903777-CT-C. GRCh37 (hg19) VCF-style: chr9-135779164-CT-C.
Other names: c.2078del, p.Gln693fs (NM_001162426.2, NM_001406597.1, NM_001406598.1 and 4 more transcripts); c.1928del, p.Gln643fs (NM_001162427.2, NM_001406610.1); c.1718del, p.Gln573fs (NM_001362177.2, NM_001406614.1, NM_001406615.1 and 5 more transcripts); c.2081del, p.Gln694fs (NM_001406592.1, NM_001406593.1, NM_001406594.1 and 5 more transcripts); c.2066del, p.Gln689fs (NM_001406601.1, NM_001406602.1); c.2063del, p.Gln688fs (NM_001406603.1, NM_001406604.1); c.1925del, p.Gln642fs (NM_001406611.1, NM_001406612.1, NM_001406613.1); c.1715del, p.Gln572fs (NM_001406620.1, NM_001406621.1, NM_001406622.1 and 2 more transcripts); and 3 more; short protein forms Q377fs, Q694fs, Q343fs, Q572fs, Q642fs, Q643fs, Q573fs, Q688fs.
Identifiers: ClinVar variation 2763346 (VCV002763346.3), dbSNP rs2538658265, ClinGen allele CA2697558147.

ClinVar aggregate classification (germline): Pathogenic (1 of 4 stars; one submission).

Conditions:
Tuberous sclerosis 1 (TSC1). Identifiers: Orphanet 805, MedGen C1854465, MONDO:0008612, OMIM 191100.

Submission:

Labcorp Genetics (formerly Invitae), Labcorp
Classification: Pathogenic for Tuberous sclerosis 1. Last evaluated: 2024-04-11. Review status: criteria provided, single submitter. Criteria: Invitae Variant Classification Sherloc (09022015). Collection method: clinical testing. Allele origin: germline.
Comment: This sequence change creates a premature translational stop signal (p.Gln694Argfs*30) in the TSC1 gene. It is expected to result in an absent or disrupted protein product. Loss-of-function variants in TSC1 are known to be pathogenic (PMID: 10227394, 17304050). This variant is not present in population databases (gnomAD no frequency). This variant has not been reported in the literature in individuals affected with TSC1-related conditions. For these reasons, this variant has been classified as Pathogenic.

Literature cited by the submitters: PubMed 10227394; PubMed 17304050.